The following is an entry in ClinVar:

NM_015909.4(NBAS):c.4090-7G>A

Gene: NBAS (NBAS subunit of NRZ tethering complex; minus strand). Cytogenetic location: 2p24.3.
Variant type: single nucleotide variant.
Coding change: c.4090-7G>A on transcript NM_015909.4 (MANE Select); 7 bases into the intron before coding-DNA position 4090, G replaced by A.
Molecular consequence: intron variant.
Genome position (GRCh38, 1-based): chr2:15,352,088, C>T on the plus strand (G>A on the coding strand, the complement: NBAS is on the minus strand). VCF-style: chr2-15352088-C-T. GRCh37 (hg19) VCF-style: chr2-15492212-C-T.
Other names: c.4090-7G>A (NM_015909.3).
Identifiers: ClinVar variation 1432277 (VCV001432277.9), dbSNP rs1028263441, ClinGen allele CA42622740.

ClinVar aggregate classification (germline): Likely benign. Review status: criteria provided, multiple submitters, no conflicts (2 of 4 stars). 2 submissions from 2 submitters: Likely benign (2). Last evaluated 2026-02-28.

Conditions:
NBAS-related disorder. Also called: NBAS-related condition.

Allele frequency attached by ClinVar (database versions not stated): gnomAD exomes below 0.00001; gnomAD 0.00001.
gnomAD v4.1: 6 of 1,576,296 alleles (0.00038%); highest among the groups gnomAD compares: Admixed American, 0.005%; no homozygotes.

Submissions (2):

PreventionGenetics, part of Exact Sciences
Classification: Likely benign for NBAS-related condition. Last evaluated: 2026-02-28. Review status: criteria provided, single submitter. Criteria: ACMG Guidelines, 2015. Collection method: clinical testing. Allele origin: germline.
Comment: This variant is classified as likely benign based on ACMG/AMP sequence variant interpretation guidelines (Richards et al. 2015 PMID: 25741868, with internal and published modifications).

Labcorp Genetics (formerly Invitae), Labcorp
Classification: Likely benign. Last evaluated: 2025-08-08. Review status: criteria provided, single submitter. Criteria: Invitae Variant Classification Sherloc (09022015). Collection method: clinical testing. Allele origin: germline.